The following is an entry in ClinVar:

NM_000222.3(KIT):c.1913T>C (p.Met638Thr)

Gene: KIT (KIT proto-oncogene, receptor tyrosine kinase; plus strand). Cytogenetic location: 4q12.
Variant type: single nucleotide variant.
Coding change: c.1913T>C on transcript NM_000222.3 (MANE Select); coding-DNA position 1913, T replaced by C.
Protein change: p.Met638Thr; replaces methionine 638 with threonine.
Molecular consequence: missense variant.
Genome position (GRCh38, 1-based): chr4:54,728,044, T>C. VCF-style: chr4-54728044-T-C. GRCh37 (hg19) VCF-style: chr4-55594210-T-C.
Other names: c.1901T>C, p.Met634Thr (NM_001093772.2, NM_001385286.1); c.1916T>C, p.Met639Thr (NM_001385284.1, NM_001385290.1); c.1913T>C, p.Met638Thr (NM_001385285.1); c.1904T>C, p.Met635Thr (NM_001385288.1, NM_001385292.1); short protein forms M634T, M635T, M638T, M639T.
Identifiers: ClinVar variation 3375525 (VCV003375525.3).

ClinVar aggregate classification (germline): Uncertain significance. Review status: criteria provided, multiple submitters, no conflicts (2 of 4 stars). 3 submissions from 3 submitters: Uncertain significance (3). Last evaluated 2026-07-06.

Conditions:
Gastrointestinal stromal tumor. Also called: Gastrointestinal stroma tumor; Gastrointestinal stromal tumor, somatic. Identifiers: Orphanet 44890, MedGen C0238198, MeSH D046152, MONDO:0011719, OMIM 606764, HP:0100723.
Hereditary cancer-predisposing syndrome. Also called: Tumor predisposition; Hereditary Cancer Syndrome; Hereditary neoplastic syndrome; Neoplastic Syndromes, Hereditary. Identifiers: Orphanet 140162, MedGen C0027672, MeSH D009386, MONDO:0015356.

gnomAD v4.1: 1 of 1,614,108 alleles (0.000062%); no homozygotes.

Submissions (3):

Ambry Genetics
Classification: Uncertain significance for Hereditary cancer-predisposing syndrome. Last evaluated: 2026-07-06. Review status: criteria provided, single submitter. Criteria: Ambry Variant Classification Scheme 2023. Collection method: clinical testing. Allele origin: germline.
Comment: The p.M638T variant (also known as c.1913T>C), located in coding exon 13 of the KIT gene, results from a T to C substitution at nucleotide position 1913. The methionine at codon 638 is replaced by threonine, an amino acid with similar properties. This amino acid position is conserved. In addition, this alteration is predicted to be deleterious by in silico analysis. Based on the available evidence, the clinical significance of this variant remains unclear.

Labcorp Genetics (formerly Invitae), Labcorp
Classification: Uncertain significance for Gastrointestinal stromal tumor. Last evaluated: 2025-06-03. Review status: criteria provided, single submitter. Criteria: Invitae Variant Classification Sherloc (09022015). Collection method: clinical testing. Allele origin: germline.
Comment: This sequence change replaces methionine, which is neutral and non-polar, with threonine, which is neutral and polar, at codon 638 of the KIT protein (p.Met638Thr). This variant is present in population databases (no rsID available, gnomAD 0.0009%). This variant has not been reported in the literature in individuals affected with KIT-related conditions. ClinVar contains an entry for this variant (Variation ID: 3375525). An algorithm developed to predict the effect of missense changes on protein structure and function (PolyPhen-2) suggests that this variant is likely to be disruptive. In summary, the available evidence is currently insufficient to determine the role of this variant in disease. Therefore, it has been classified as a Variant of Uncertain Significance.

GeneDx
Classification: Uncertain significance. Last evaluated: 2024-05-06. Review status: criteria provided, single submitter. Criteria: GeneDx Variant Classification Process June 2021. Collection method: clinical testing. Allele origin: germline. Affected: yes.
Comment: Not observed at significant frequency in large population cohorts (gnomAD); In silico analysis supports that this missense variant has a deleterious effect on protein structure/function; Has not been previously published as pathogenic or benign to our knowledge